The following is an entry in ClinVar:

ClinVar aggregate classification (germline): Uncertain significance (1 of 4 stars; one submission).

Submission:

Mayo Clinic Laboratories, Mayo Clinic
Classification: Uncertain significance. Last evaluated: 2024-03-07. Review status: criteria provided, single submitter. Criteria: ACMG Guidelines, 2015. Collection method: clinical testing. Allele origin: germline. Observed: 1 variant allele.
Comment: PP3, PM2_moderate

Literature cited by the submitters: PubMed 30919572.

NM_000342.4(SLC4A1):c.2168G>C (p.Trp723Ser)

Gene: SLC4A1 (solute carrier family 4 member 1 (Diego blood group); minus strand). Cytogenetic location: 17q21.31.
Variant type: single nucleotide variant.
Coding change: c.2168G>C on transcript NM_000342.4 (MANE Select); coding-DNA position 2168, G replaced by C.
Protein change: p.Trp723Ser; replaces tryptophan 723 with serine.
Molecular consequence: missense variant.
Genome position (GRCh38, 1-based): chr17:44,253,261, C>G on the plus strand (G>C on the coding strand, the complement: SLC4A1 is on the minus strand). VCF-style: chr17-44253261-C-G. GRCh37 (hg19) VCF-style: chr17-42330629-C-G.
Other names: p.Trp723Ser; short protein forms W723S.
Identifiers: ClinVar variation 3380493 (VCV003380493.1).